The following is an entry in ClinVar:

NM_001164508.2(NEB):c.20155G>A (p.Glu6719Lys)

Gene: NEB (nebulin; minus strand). Cytogenetic location: 2q23.3.
Variant type: single nucleotide variant.
Coding change: c.20155G>A on transcript NM_001164508.2 (MANE Select); coding-DNA position 20155, G replaced by A.
Protein change: p.Glu6719Lys; replaces glutamic acid 6719 with lysine.
Molecular consequence: missense variant.
Genome position (GRCh38, 1-based): chr2:151,548,310, C>T on the plus strand (G>A on the coding strand, the complement: NEB is on the minus strand). VCF-style: chr2-151548310-C-T. GRCh37 (hg19) VCF-style: chr2-152404824-C-T.
Other names: c.20155G>A, p.Glu6719Lys (NM_001164507.2, NM_001271208.2); c.15052G>A, p.Glu5018Lys (NM_004543.5); c.15052G>A (NM_004543.4); short protein forms E5018K, E6719K.
Identifiers: ClinVar variation 989270 (VCV000989270.9), dbSNP rs767886794, ClinGen allele CA1907420.

ClinVar aggregate classification (germline): Conflicting classifications of pathogenicity. Review status: criteria provided, conflicting classifications (1 of 4 stars). 3 submissions from 3 submitters: Uncertain significance (2); Likely benign (1). Last evaluated 2025-12-14.

Conditions:
Nemaline myopathy 2 (NEM2). Also called: Nemaline myopathy 2, autosomal recessive. Identifiers: MedGen C1850569, MONDO:0009725, OMIM 256030.
Inborn genetic diseases. Identifiers: MedGen C0950123, MeSH D030342.

Allele frequency attached by ClinVar (database versions not stated): gnomAD exomes 0.00001 and 0.00002; ExAC 0.00002; gnomAD 0.00001.
gnomAD v4.1: 13 of 1,608,238 alleles (0.00081%); highest among the groups gnomAD compares: East Asian, 0.0022%; no homozygotes.

Submissions (3):

Labcorp Genetics (formerly Invitae), Labcorp
Classification: Likely benign for Nemaline myopathy 2. Last evaluated: 2025-12-14. Review status: criteria provided, single submitter. Criteria: Invitae Variant Classification Sherloc (09022015). Collection method: clinical testing. Allele origin: germline.

Ambry Genetics
Classification: Uncertain significance for Inborn genetic diseases. Last evaluated: 2025-12-08. Review status: criteria provided, single submitter. Criteria: Ambry Variant Classification Scheme 2023. Collection method: clinical testing. Allele origin: germline.

Illumina Laboratory Services, Illumina
Classification: Uncertain significance for Nemaline myopathy 2. Last evaluated: 2020-07-29. Review status: criteria provided, single submitter. Criteria: ICSLVariantClassificationCriteria RUGD 01 April 2020. Collection method: clinical testing. Allele origin: unknown.
Comment: The NEB c.20155G>A (p.Glu6719Lys) variant is a missense variant. A literature search was performed for the gene, cDNA change, and amino acid change. No publications were found based on this search. The p.Glu6719Lys variant is reported at a frequency of 0.000186 in the European (Finnish) population in the Genome Aggregation Database. Missense variants are not the common mechanism of disease but have been reported in the literature. Based on the limited evidence, the p.Glu6719Lys variant is classified as a variant of uncertain significance for nemaline myopathy.